The following is an entry in ClinVar:

NM_032447.5(FBN3):c.458G>A (p.Arg153His)

Gene: FBN3 (fibrillin 3; minus strand). Cytogenetic location: 19p13.2.
Variant type: single nucleotide variant.
Coding change: c.458G>A on transcript NM_032447.5 (MANE Select); coding-DNA position 458, G replaced by A.
Protein change: p.Arg153His; replaces arginine 153 with histidine.
Molecular consequence: missense variant.
Genome position (GRCh38, 1-based): chr19:8,144,960, C>T on the plus strand (G>A on the coding strand, the complement: FBN3 is on the minus strand). VCF-style: chr19-8144960-C-T. GRCh37 (hg19) VCF-style: chr19-8209844-C-T.
Other names: c.458G>A (NM_032447.3); c.458G>A, p.Arg153His (NM_001321431.2); short protein forms R153H.
Identifiers: ClinVar variation 2170713 (VCV002170713.5), dbSNP rs774484397, ClinGen allele CA9153717.

ClinVar aggregate classification (germline): Conflicting classifications of pathogenicity. Review status: criteria provided, conflicting classifications (1 of 4 stars). 2 submissions from 2 submitters: Uncertain significance (1); Likely benign (1). Last evaluated 2025-07-02.

Allele frequency attached by ClinVar (database versions not stated): gnomAD exomes 0.00002; TOPMed 0.00003; ExAC 0.00005; gnomAD 0.00005.
gnomAD v4.1: 35 of 1,610,180 alleles (0.0022%); highest among the groups gnomAD compares: East Asian, 0.047%; no homozygotes.

Submissions (2):

Labcorp Genetics (formerly Invitae), Labcorp
Classification: Uncertain significance. Last evaluated: 2025-07-02. Review status: criteria provided, single submitter. Criteria: Invitae Variant Classification Sherloc (09022015). Collection method: clinical testing. Allele origin: germline.
Comment: This sequence change replaces arginine, which is basic and polar, with histidine, which is basic and polar, at codon 153 of the FBN3 protein (p.Arg153His). This variant is present in population databases (rs774484397, gnomAD 0.02%). This variant has not been reported in the literature in individuals affected with FBN3-related conditions. ClinVar contains an entry for this variant (Variation ID: 2170713). An algorithm developed to predict the effect of missense changes on protein structure and function outputs the following: PolyPhen-2: "Benign". The histidine amino acid residue is found in multiple mammalian species, which suggests that this missense change does not adversely affect protein function. In summary, the available evidence is currently insufficient to determine the role of this variant in disease. Therefore, it has been classified as a Variant of Uncertain Significance.

Ambry Genetics
Classification: Likely benign. Last evaluated: 2024-03-04. Review status: criteria provided, single submitter. Criteria: Ambry Variant Classification Scheme 2023. Collection method: clinical testing. Allele origin: germline.